The following is an entry in ClinVar:

NM_001377.3(DYNC2H1):c.5151+1G>T

Gene: DYNC2H1 (dynein cytoplasmic 2 heavy chain 1; plus strand). Cytogenetic location: 11q22.3.
Variant type: single nucleotide variant.
Coding change: c.5151+1G>T on transcript NM_001377.3 (MANE Select); the canonical splice donor site of the intron after coding-DNA position 5151, G replaced by T.
Molecular consequence: splice donor variant.
Genome position (GRCh38, 1-based): chr11:103,170,291, G>T. VCF-style: chr11-103170291-G-T. GRCh37 (hg19) VCF-style: chr11-103041020-G-T.
Other names: IVS33, G-T, +1; c.5151+1G>T (NM_001080463.2).
Identifiers: ClinVar variation 6510 (VCV000006510.3), dbSNP rs431905499, ClinGen allele CA210513.

ClinVar aggregate classification (germline): Pathogenic. Review status: criteria provided, single submitter (1 of 4 stars). 2 submissions from 2 submitters: Pathogenic (1). 1 of the submissions does not count toward it. Last evaluated 2026-06-18.

Conditions:
Asphyxiating thoracic dystrophy 3. Also called: Saldino-Noonan Syndrome; SHORT-RIB THORACIC DYSPLASIA 3 WITH OR WITHOUT POLYDACTYLY; POLYDACTYLY WITH NEONATAL CHONDRODYSTROPHY, TYPE I; SHORT-RIB THORACIC DYSPLASIA 3/6 WITH POLYDACTYLY, DIGENIC; Short rib polydactyly syndrome 2B. Identifiers: Orphanet 474, Orphanet 93269, Orphanet 93270, Orphanet 93271, MedGen C0036069, MONDO:0013127, OMIM 613091.

Allele frequency attached by ClinVar (database versions not stated): gnomAD exomes below 0.00001.
gnomAD v4.1: 2 of 1,561,748 alleles (0.00013%); highest among the groups gnomAD compares: Non-Finnish European, 0.00017%; no homozygotes.

Submissions (2):

Myriad Genetics, Inc.
Classification: Pathogenic for Asphyxiating thoracic dystrophy 3. Last evaluated: 2026-06-18. Review status: criteria provided, single submitter. Criteria: Myriad Autosomal Dominant, Autosomal Recessive and X-Linked Classification Criteria (2023). Collection method: clinical testing. Allele origin: unknown.
Comment: NM_001377.2(DYNC2H1):c.5151+1G>T is a variant in a canonical splice site classified as pathogenic in the context of DYNC2H1-related disorders. c.5151+1G>T has been observed in a case with relevant disease (PMID: 19361615). Relevant functional assessments of this variant are available in the literature (PMID: 19361615). Internal structural analysis of the variant is supportive of pathogenicity. c.5151+1G>T has not been observed in referenced population frequency databases. In summary, NM_001377.2(DYNC2H1):c.5151+1G>T is a variant in a canonical splice site that has internal structural support for pathogenicity and has been observed more frequently in cases with the relevant disease than in healthy populations. Please note: this variant was assessed in the context of healthy population screening.

OMIM
Classification: Pathogenic for SHORT-RIB THORACIC DYSPLASIA 3 WITH POLYDACTYLY. Last evaluated: 2009-04-01. Review status: no assertion criteria provided. Collection method: literature only. Allele origin: germline. Not counted in ClinVar's aggregate classification.

Literature cited by the submitters: PubMed 19361615 (cited by Myriad Genetics, Inc. and OMIM).